The following is an entry in ClinVar:

ClinVar aggregate classification (germline): Uncertain significance (1 of 4 stars; one submission).

Conditions:
Inborn genetic diseases. Identifiers: MedGen C0950123, MeSH D030342.

gnomAD v4.1: 2 of 1,614,112 alleles (0.00012%); highest among the groups gnomAD compares: Non-Finnish European, 0.00017%; no homozygotes.

Submission:

Ambry Genetics
Classification: Uncertain significance for Inborn genetic diseases. Last evaluated: 2018-04-03. Review status: criteria provided, single submitter. Criteria: Ambry Variant Classification Scheme 2023. Collection method: clinical testing. Allele origin: germline.
Comment: The p.R183* variant (also known as c.547C>T), located in coding exon 3 of the KCNQ3 gene, results from a C to T substitution at nucleotide position 547. This changes the amino acid from an arginine to a stop codon within coding exon 3. This amino acid position is highly conserved in available vertebrate species. This alteration is expected to result in loss of function by premature protein truncation or nonsense-mediated mRNA decay. However, loss of function of KCNQ3 has not been clearly established as a mechanism of disease. Since supporting evidence is limited at this time, the clinical significance of this alteration remains unclear.

Literature cited by the submitters: PubMed 19167866; PubMed 24375629; PubMed 25194482; PubMed 25740509.

NM_004519.4(KCNQ3):c.547C>T (p.Arg183Ter)

Gene: KCNQ3 (potassium voltage-gated channel subfamily Q member 3; minus strand). Cytogenetic location: 8q24.22.
Variant type: single nucleotide variant.
Coding change: c.547C>T on transcript NM_004519.4 (MANE Select); coding-DNA position 547, C replaced by T.
Protein change: p.Arg183Ter; replaces arginine 183 with a stop codon.
Molecular consequence: nonsense.
Genome position (GRCh38, 1-based): chr8:132,184,298, G>A on the plus strand (C>T on the coding strand, the complement: KCNQ3 is on the minus strand). VCF-style: chr8-132184298-G-A. GRCh37 (hg19) VCF-style: chr8-133196545-G-A.
Other names: c.187C>T, p.Arg63Ter (NM_001204824.2); short protein forms R183*, R63*.
Identifiers: ClinVar variation 1747782 (VCV001747782.2), dbSNP rs2536959605, ClinGen allele CA372291148.
Genomic context (GRCh38, chr8:132,184,298, plus strand): 5'-TACCCAACATGCACAGGGGCTTCCTGGCAAACTTCAGTCGGCCCCGCCAGCCTTTGTATC[G>A]GCAGCAACATCCAGCAGCCCAGATCCTCAAAGCAAACTCGGCTCCAAAGATGAAAATAGC-3'